The following is an entry in ClinVar:

NM_000051.4(ATM):c.1843C>T (p.Leu615Phe)

Gene: ATM (ATM serine/threonine kinase; plus strand). Cytogenetic location: 11q22.3.
Variant type: single nucleotide variant.
Coding change: c.1843C>T on transcript NM_000051.4 (MANE Select); coding-DNA position 1843, C replaced by T.
Protein change: p.Leu615Phe; replaces leucine 615 with phenylalanine.
Molecular consequence: missense variant.
Genome position (GRCh38, 1-based): chr11:108,252,857, C>T. VCF-style: chr11-108252857-C-T. GRCh37 (hg19) VCF-style: chr11-108123584-C-T.
Other names: c.1843C>T, p.Leu615Phe (NM_001351834.2); short protein forms L615F.
Identifiers: ClinVar variation 1781196 (VCV001781196.6), dbSNP rs1380546088, ClinGen allele CA382535841.

ClinVar aggregate classification (germline): Uncertain significance. Review status: criteria provided, multiple submitters, no conflicts (2 of 4 stars). 2 submissions from 2 submitters: Uncertain significance (2). Last evaluated 2026-01-31.

Conditions:
Hereditary cancer-predisposing syndrome. Also called: Tumor predisposition; Neoplastic Syndromes, Hereditary; Hereditary Cancer Syndrome; Hereditary neoplastic syndrome. Identifiers: Orphanet 140162, MedGen C0027672, MeSH D009386, MONDO:0015356.
Ataxia-telangiectasia syndrome (AT). Also called: LOUIS-BAR SYNDROME; Cerebello-oculocutaneous telangiectasia; Immunodeficiency with ataxia telangiectasia; Ataxia-telangiectasia, complementation group D; AT, COMPLEMENTATION GROUP C; ATAXIA-TELANGIECTASIA, COMPLEMENTATION GROUP A. Identifiers: Orphanet 100, MedGen C0004135, MONDO:0008840, OMIM 208900.

Allele frequency attached by ClinVar (database versions not stated): TOPMed below 0.00001; gnomAD 0.00001.
gnomAD v4.1: 1 of 1,612,916 alleles (0.000062%); highest among the groups gnomAD compares: Non-Finnish European, 0.000085%; no homozygotes.

Submissions (2):

Labcorp Genetics (formerly Invitae), Labcorp
Classification: Uncertain significance for Ataxia-telangiectasia syndrome. Last evaluated: 2026-01-31. Review status: criteria provided, single submitter. Criteria: Invitae Variant Classification Sherloc (09022015). Collection method: clinical testing. Allele origin: germline.
Comment: This sequence change replaces leucine, which is neutral and non-polar, with phenylalanine, which is neutral and non-polar, at codon 615 of the ATM protein (p.Leu615Phe). This variant is not present in population databases (gnomAD no frequency). This variant has not been reported in the literature in individuals affected with ATM-related conditions. ClinVar contains an entry for this variant (Variation ID: 1781196). Invitae Evidence Modeling of protein sequence and biophysical properties (such as structural, functional, and spatial information, amino acid conservation, physicochemical variation, residue mobility, and thermodynamic stability) indicates that this missense variant is not expected to disrupt ATM protein function with a negative predictive value of 95%. This variant disrupts the p.Leu615 amino acid residue in ATM. Other variant(s) that disrupt this residue have been determined to be pathogenic (PMID: 29368341, 30549301, 32901917). This suggests that this residue is clinically significant, and that variants that disrupt this residue are likely to be disease-causing. In summary, the available evidence is currently insufficient to determine the role of this variant in disease. Therefore, it has been classified as a Variant of Uncertain Significance.

Ambry Genetics
Classification: Uncertain significance for Hereditary cancer-predisposing syndrome. Last evaluated: 2025-08-05. Review status: criteria provided, single submitter. Criteria: Ambry Variant Classification Scheme 2023. Collection method: clinical testing. Allele origin: germline.
Comment: The p.L615F variant (also known as c.1843C>T), located in coding exon 11 of the ATM gene, results from a C to T substitution at nucleotide position 1843. The leucine at codon 615 is replaced by phenylalanine, an amino acid with highly similar properties. This amino acid position is highly conserved in available vertebrate species. In addition, the in silico prediction for this alteration is inconclusive. Since supporting evidence is limited at this time, the clinical significance of this alteration remains unclear.

Literature cited by the submitters: PubMed 29368341 (cited by Labcorp Genetics (formerly Invitae), Labcorp); PubMed 30549301 (cited by Labcorp Genetics (formerly Invitae), Labcorp); PubMed 32901917 (cited by Labcorp Genetics (formerly Invitae), Labcorp).